The following is an entry in ClinVar:

NM_001142800.2(EYS):c.867A>C (p.Pro289=)

Gene: EYS (EGF-like photoreceptor maintenance factor; minus strand). Cytogenetic location: 6q12.
Variant type: single nucleotide variant.
Coding change: c.867A>C on transcript NM_001142800.2 (MANE Select); coding-DNA position 867, A replaced by C.
Protein change: p.Pro289=; no amino-acid change (proline 289 retained).
Molecular consequence: synonymous variant.
Genome position (GRCh38, 1-based): chr6:65,405,363, T>G on the plus strand (A>C on the coding strand, the complement: EYS is on the minus strand). VCF-style: chr6-65405363-T-G. GRCh37 (hg19) VCF-style: chr6-66115256-T-G.
Other names: c.867A>C, p.Pro289= (NM_001142801.2, NM_001292009.2, NM_198283.2); c.867A>C (NM_001142800.1).
Identifiers: ClinVar variation 1540384 (VCV001540384.9), dbSNP rs746039939, ClinGen allele CA139847050.

ClinVar aggregate classification (germline): Likely benign. Review status: criteria provided, multiple submitters, no conflicts (2 of 4 stars). 2 submissions from 2 submitters: Likely benign (2). Last evaluated 2026-09-02.

Conditions:
EYS-related disorder. Also called: EYS-related condition.

gnomAD v4.1: 3 of 1,594,890 alleles (0.00019%); highest among the groups gnomAD compares: Middle Eastern, 0.033%; no homozygotes.

Submissions (2):

PreventionGenetics, part of Exact Sciences
Classification: Likely benign for EYS-related condition. Last evaluated: 2026-09-02. Review status: criteria provided, single submitter. Criteria: ACMG Guidelines, 2015. Collection method: clinical testing. Allele origin: germline.
Comment: This variant is classified as likely benign based on ACMG/AMP sequence variant interpretation guidelines (Richards et al. 2015 PMID: 25741868, with internal and published modifications).

Labcorp Genetics (formerly Invitae), Labcorp
Classification: Likely benign. Last evaluated: 2023-02-16. Review status: criteria provided, single submitter. Criteria: Invitae Variant Classification Sherloc (09022015). Collection method: clinical testing. Allele origin: germline.